The following is an entry in ClinVar:

ClinVar aggregate classification (germline): Uncertain significance. Review status: criteria provided, multiple submitters, no conflicts (2 of 4 stars). 3 submissions from 3 submitters: Uncertain significance (3). Last evaluated 2025-09-25.

Conditions:
Inborn genetic diseases. Identifiers: MedGen C0950123, MeSH D030342.
Van Maldergem syndrome 2 (VMLDS2). Identifiers: Orphanet 314679, MedGen C3809875, MONDO:0014242, OMIM 615546.
Hennekam lymphangiectasia-lymphedema syndrome 2 (HKLLS2). Identifiers: Orphanet 2136, MedGen C4014939, MONDO:0014454, OMIM 616006.

gnomAD v4.1: 85 of 1,613,506 alleles (0.0053%); highest among the groups gnomAD compares: Non-Finnish European, 0.0068%; no homozygotes.

Submissions (3):

Labcorp Genetics (formerly Invitae), Labcorp
Classification: Uncertain significance. Last evaluated: 2025-09-25. Review status: criteria provided, single submitter. Criteria: Invitae Variant Classification Sherloc (09022015). Collection method: clinical testing. Allele origin: germline.
Comment: This sequence change replaces threonine, which is neutral and polar, with alanine, which is neutral and non-polar, at codon 4281 of the FAT4 protein (p.Thr4281Ala). This variant is present in population databases (rs766687363, gnomAD 0.002%). This variant has not been reported in the literature in individuals affected with FAT4-related conditions. ClinVar contains an entry for this variant (Variation ID: 3590104). Invitae Evidence Modeling of protein sequence and biophysical properties (such as structural, functional, and spatial information, amino acid conservation, physicochemical variation, residue mobility, and thermodynamic stability) indicates that this missense variant is not expected to disrupt FAT4 protein function with a negative predictive value of 95%. In summary, the available evidence is currently insufficient to determine the role of this variant in disease. Therefore, it has been classified as a Variant of Uncertain Significance.

Ambry Genetics
Classification: Uncertain significance for Inborn genetic diseases. Last evaluated: 2025-05-17. Review status: criteria provided, single submitter. Criteria: Ambry Variant Classification Scheme 2023. Collection method: clinical testing. Allele origin: germline.

Fulgent Genetics
Classification: Uncertain significance for Van Maldergem syndrome 2; Hennekam lymphangiectasia-lymphedema syndrome 2. Last evaluated: 2024-02-12. Review status: criteria provided, single submitter. Criteria: ACMG Guidelines, 2015. Collection method: clinical testing. Allele origin: germline.

NM_001291303.3(FAT4):c.12847A>G (p.Thr4283Ala)

Gene: FAT4 (FAT atypical cadherin 4; plus strand). Cytogenetic location: 4q28.1.
Variant type: single nucleotide variant.
Coding change: c.12847A>G on transcript NM_001291303.3 (MANE Select); coding-DNA position 12847, A replaced by G.
Protein change: p.Thr4283Ala; replaces threonine 4283 with alanine.
Molecular consequence: missense variant.
Genome position (GRCh38, 1-based): chr4:125,487,369, A>G. VCF-style: chr4-125487369-A-G. GRCh37 (hg19) VCF-style: chr4-126408524-A-G.
Other names: c.12847A>G, p.Thr4283Ala (NM_001291285.3); c.12841A>G, p.Thr4281Ala (NM_024582.6); c.12841A>G (NM_024582.5, NM_024582.4); short protein forms T4281A, T4283A.
Identifiers: ClinVar variation 3590104 (VCV003590104.3).